The following is an entry in ClinVar:

NM_000465.4(BARD1):c.2330G>A (p.Ser777Asn)

Gene: BARD1 (BRCA1 associated RING domain 1; minus strand). Cytogenetic location: 2q35.
Variant type: single nucleotide variant.
Coding change: c.2330G>A on transcript NM_000465.4 (MANE Select); coding-DNA position 2330, G replaced by A.
Protein change: p.Ser777Asn; replaces serine 777 with asparagine.
Molecular consequence: missense variant. On other transcripts: non-coding transcript variant (3).
Genome position (GRCh38, 1-based): chr2:214,728,680, C>T on the plus strand (G>A on the coding strand, the complement: BARD1 is on the minus strand). VCF-style: chr2-214728680-C-T. GRCh37 (hg19) VCF-style: chr2-215593404-C-T.
Other names: c.2273G>A, p.Ser758Asn (NM_001282543.2); c.977G>A, p.Ser326Asn (NM_001282545.2); c.920G>A, p.Ser307Asn (NM_001282548.2); c.791G>A, p.Ser264Asn (NM_001282549.2); short protein forms S758N, S264N, S307N, S326N, S777N.
Identifiers: ClinVar variation 2893954 (VCV002893954.3), dbSNP rs1692188685, ClinGen allele CA350449626.
Genomic context (GRCh38, chr2:214,728,680, plus strand): 5'-ACTGGGCTCTCACAAACCGTGCAAATTCAATTTGAAATGTTCATCTGGTATAATATTCAG[C>T]TGTCAAGAGGAAGCAACTCAAAGGACATCACACAGTCTATAAACCAGCTCGAAGGAGCCT-3'
Protein context (NP_000456.2, residues 767-777): VMSFELLPLD[Ser777Asn]

ClinVar aggregate classification (germline): Uncertain significance (1 of 4 stars; one submission).

Conditions:
Familial cancer of breast. Also called: BREAST CANCER, FAMILIAL; Hereditary breast cancer; hereditary breast carcinoma. Identifiers: Orphanet 227535, MedGen C0346153, MONDO:0016419, OMIM 114480. Disease mechanism: loss of function.

Allele frequency attached by ClinVar (database versions not stated): gnomAD exomes below 0.00001.
gnomAD v4.1: 1 of 1,614,080 alleles (0.000062%); highest among the groups gnomAD compares: Non-Finnish European, 0.000085%; no homozygotes.

Submission:

Labcorp Genetics (formerly Invitae), Labcorp
Classification: Uncertain significance for Familial cancer of breast. Last evaluated: 2023-10-22. Review status: criteria provided, single submitter. Criteria: Invitae Variant Classification Sherloc (09022015). Collection method: clinical testing. Allele origin: germline.
Comment: This sequence change replaces serine, which is neutral and polar, with asparagine, which is neutral and polar, at codon 777 of the BARD1 protein (p.Ser777Asn). This variant is not present in population databases (gnomAD no frequency). This variant has not been reported in the literature in individuals affected with BARD1-related conditions. Algorithms developed to predict the effect of missense changes on protein structure and function output the following: SIFT: "Not Available"; PolyPhen-2: "Benign"; Align-GVGD: "Not Available". The asparagine amino acid residue is found in multiple mammalian species, which suggests that this missense change does not adversely affect protein function. In summary, the available evidence is currently insufficient to determine the role of this variant in disease. Therefore, it has been classified as a Variant of Uncertain Significance.